The following is an entry in ClinVar:

NM_001164508.2(NEB):c.21841-6T>A

Genes: NEB (nebulin; minus strand), RIF1 (replication timing regulatory factor 1; plus strand). Cytogenetic location: 2q23.3.
Variant type: single nucleotide variant.
Coding change: c.21841-6T>A on transcript NM_001164508.2 (MANE Select); 6 bases into the intron before coding-DNA position 21841, T replaced by A.
Molecular consequence: intron variant.
Genome position (GRCh38, 1-based): chr2:151,527,028, A>T on the plus strand (T>A on the coding strand, the complement: NEB is on the minus strand). VCF-style: chr2-151527028-A-T. GRCh37 (hg19) VCF-style: chr2-152383542-A-T.
Other names: c.16738-6T>A (NM_004543.5); c.21841-6T>A (NM_001164507.2); c.21946-6T>A (NM_001271208.2).
Identifiers: ClinVar variation 465557 (VCV000465557.14), dbSNP rs767466501, ClinGen allele CA1906851.

ClinVar aggregate classification (germline): Likely benign. Review status: criteria provided, single submitter (1 of 4 stars). 3 submissions from 3 submitters: Likely benign (1). 2 of the submissions do not count toward it. Last evaluated 2026-01-28.

Conditions:
NEB-related disorder. Also called: NEB-related condition; NEB-Related Disorders.
Nemaline myopathy 2 (NEM2). Also called: Nemaline myopathy 2, autosomal recessive. Identifiers: MedGen C1850569, MONDO:0009725, OMIM 256030.

Allele frequency attached by ClinVar (database versions not stated): gnomAD 0.00001; gnomAD exomes 0.00001 and 0.00005; TOPMed 0.00001; ExAC 0.00002.
gnomAD v4.1: 14 of 1,574,786 alleles (0.00089%); highest among the groups gnomAD compares: Admixed American, 0.018%; no homozygotes.

Submissions (3):

Labcorp Genetics (formerly Invitae), Labcorp
Classification: Likely benign for Nemaline myopathy 2. Last evaluated: 2026-01-28. Review status: criteria provided, single submitter. Criteria: Invitae Variant Classification Sherloc (09022015). Collection method: clinical testing. Allele origin: germline.

PreventionGenetics, part of Exact Sciences
Classification: Likely benign for NEB-related condition. Last evaluated: 2024-02-28. Review status: no assertion criteria provided. Collection method: clinical testing. Allele origin: germline. Not counted in ClinVar's aggregate classification.
Comment: This variant is classified as likely benign based on ACMG/AMP sequence variant interpretation guidelines (Richards et al. 2015 PMID: 25741868, with internal and published modifications).

Natera, Inc.
Classification: Uncertain significance for Nemaline myopathy type 2. Last evaluated: 2019-11-11. Review status: no assertion criteria provided. Collection method: clinical testing. Allele origin: germline. Not counted in ClinVar's aggregate classification.